The following is an entry in ClinVar:

ClinVar aggregate classification (germline): Likely benign (0 of 4 stars; one submission).

Conditions:
CNTN3-related disorder. Also called: CNTN3-related condition.

Allele frequency attached by ClinVar (database versions not stated): gnomAD exomes 0.00004; ExAC 0.00011; 1000 Genomes Project 0.00020; gnomAD 0.00042; 1000 Genomes Project 30x 0.00047; ESP Exome Variant Server 0.00054; TOPMed 0.00054.
gnomAD v4.1: 131 of 1,606,720 alleles (0.0082%); highest among the groups gnomAD compares: African/African-American, 0.15%; no homozygotes.

Submission:

PreventionGenetics, part of Exact Sciences
Classification: Likely benign for CNTN3-related condition. Last evaluated: 2023-01-03. Review status: no assertion criteria provided. Collection method: clinical testing. Allele origin: germline.
Comment: This variant is classified as likely benign based on ACMG/AMP sequence variant interpretation guidelines (Richards et al. 2015 PMID: 25741868, with internal and published modifications).

NM_020872.3(CNTN3):c.2807C>A (p.Thr936Lys)

Gene: CNTN3 (contactin 3; minus strand). Cytogenetic location: 3p12.3.
Variant type: single nucleotide variant.
Coding change: c.2807C>A on transcript NM_020872.3 (MANE Select); coding-DNA position 2807, C replaced by A.
Protein change: p.Thr936Lys; replaces threonine 936 with lysine.
Molecular consequence: missense variant.
Genome position (GRCh38, 1-based): chr3:74,267,276, G>T on the plus strand (C>A on the coding strand, the complement: CNTN3 is on the minus strand). VCF-style: chr3-74267276-G-T. GRCh37 (hg19) VCF-style: chr3-74316427-G-T.
Other names: c.2807C>A, p.Thr936Lys (NM_001393376.1); short protein forms T936K.
Identifiers: ClinVar variation 3049189 (VCV003049189.2), dbSNP rs140717445, ClinGen allele CA2494808.